The following is an entry in ClinVar:

NM_006736.6(DNAJB2):c.71G>A (p.Arg24Gln)

Gene: DNAJB2 (DnaJ heat shock protein family (Hsp40) member B2; plus strand). Cytogenetic location: 2q35.
Variant type: single nucleotide variant.
Coding change: c.71G>A on transcript NM_006736.6 (MANE Select); coding-DNA position 71, G replaced by A.
Protein change: p.Arg24Gln; replaces arginine 24 with glutamine.
Molecular consequence: missense variant.
Genome position (GRCh38, 1-based): chr2:219,280,583, G>A. VCF-style: chr2-219280583-G-A. GRCh37 (hg19) VCF-style: chr2-220145305-G-A.
Other names: c.71G>A, p.Arg24Gln (NM_001039550.2); short protein forms R24Q.
Identifiers: ClinVar variation 581882 (VCV000581882.9), dbSNP rs780839621, ClinGen allele CA2122825.
Genomic context (GRCh38, chr2:219,280,583, plus strand): 5'-TGGGAAGTGCCTGCATTTGTCCCCCGACTCTCTCCTCTGCACCCACTTTCTGCAGGTATC[G>A]GCGCAAGGCTCTCCAGTGGCACCCAGACAAAAACCCAGATAATAAAGAGTTTGCTGAGAA-3'
Protein context (NP_006727.2, residues 14-34): ASADDIKKAY[Arg24Gln]RKALQWHPDK

ClinVar aggregate classification (germline): Uncertain significance (1 of 4 stars; one submission).

Conditions:
Neuronopathy, distal hereditary motor, autosomal recessive 5. Also called: NEUROPATHY, DISTAL HEREDITARY MOTOR, AUTOSOMAL RECESSIVE 5; Spinal muscular atrophy, distal, autosomal recessive, 5; Young adult-onset distal hereditary motor neuropathy. Identifiers: Orphanet 314485, Orphanet 443950, MedGen C4749918, MONDO:0013947, OMIM 614881.

Allele frequency attached by ClinVar (database versions not stated): gnomAD exomes below 0.00001; ExAC 0.00001.
gnomAD v4.1: 5 of 1,613,810 alleles (0.00031%); highest among the groups gnomAD compares: Admixed American, 0.0033%; no homozygotes.

Submission:

Labcorp Genetics (formerly Invitae), Labcorp
Classification: Uncertain significance for Neuronopathy, distal hereditary motor, autosomal recessive 5. Last evaluated: 2018-02-17. Review status: criteria provided, single submitter. Criteria: Invitae Variant Classification Sherloc (09022015). Collection method: clinical testing. Allele origin: germline.
Comment: In summary, the available evidence is currently insufficient to determine the role of this variant in disease. Therefore, it has been classified as a Variant of Uncertain Significance. Algorithms developed to predict the effect of missense changes on protein structure and function do not agree on the potential impact of this missense change (SIFT: "Deleterious"; PolyPhen-2: "Possibly Damaging"; Align-GVGD: "Class C0"). This variant has not been reported in the literature in individuals with DNAJB2-related disease. The frequency data for this variant in the population databases is considered unreliable, as metrics indicate poor data quality at this position in the ExAC database. This sequence change replaces arginine with glutamine at codon 24 of the DNAJB2 protein (p.Arg24Gln). The arginine residue is highly conserved and there is a small physicochemical difference between arginine and glutamine.